The following is an entry in ClinVar:

NM_005033.3(EXOSC9):c.249_250dup (p.Gln84fs)

Gene: EXOSC9 (exosome component 9; plus strand). Cytogenetic location: 4q27.
Variant type: Microsatellite.
Coding change: c.249_250dup on transcript NM_005033.3 (MANE Select); coding-DNA positions 249 to 250, 2 bases duplicated (TC; older notation c.249_250dupTC).
Protein change: p.Gln84fs; shifts the reading frame from glutamine 84.
Molecular consequence: frameshift variant.
Genome position (GRCh38, 1-based): chr4:121,802,761-121,802,762, TC duplicated; duplicating any 2 consecutive bases within chr4:121,802,756-121,802,762 gives the same sequence; the c. name uses the placement nearest the transcript's 3' end. VCF-style (leftmost placement, unchanged base first): chr4-121802755-A-ACT. GRCh37 (hg19) VCF-style: chr4-122723910-A-ACT.
Other names: c.249_250dup, p.Gln84fs (NM_001034194.2); short protein forms Q84fs.
Identifiers: ClinVar variation 3009337 (VCV003009337.3), dbSNP rs765876840, ClinGen allele CA554175734.

ClinVar aggregate classification (germline): Pathogenic (1 of 4 stars; one submission).

Submission:

Labcorp Genetics (formerly Invitae), Labcorp
Classification: Pathogenic. Last evaluated: 2023-04-27. Review status: criteria provided, single submitter. Criteria: Invitae Variant Classification Sherloc (09022015). Collection method: clinical testing. Allele origin: germline.
Comment: For these reasons, this variant has been classified as Pathogenic. Algorithms developed to predict the effect of sequence changes on RNA splicing suggest that this variant may create or strengthen a splice site. This variant has not been reported in the literature in individuals affected with EXOSC9-related conditions. This variant is present in population databases (no rsID available, gnomAD 0.01%). This sequence change creates a premature translational stop signal (p.Gln84Leufs*18) in the EXOSC9 gene. It is expected to result in an absent or disrupted protein product. Loss-of-function variants in EXOSC9 are known to be pathogenic (PMID: 29727687, 33040083).

Literature cited by the submitters: PubMed 29727687; PubMed 33040083.